The following is an entry in ClinVar:

NM_000760.4(CSF3R):c.464G>C (p.Ser155Thr)

Gene: CSF3R (colony stimulating factor 3 receptor; minus strand). Cytogenetic location: 1p34.3.
Variant type: single nucleotide variant.
Coding change: c.464G>C on transcript NM_000760.4 (MANE Select); coding-DNA position 464, G replaced by C.
Protein change: p.Ser155Thr; replaces serine 155 with threonine.
Molecular consequence: missense variant.
Genome position (GRCh38, 1-based): chr1:36,473,785, C>G on the plus strand (G>C on the coding strand, the complement: CSF3R is on the minus strand). VCF-style: chr1-36473785-C-G. GRCh37 (hg19) VCF-style: chr1-36939386-C-G.
Other names: c.464G>C, p.Ser155Thr (NM_156039.3, NM_172313.3); short protein forms S155T.
Identifiers: ClinVar variation 2879125 (VCV002879125.3), dbSNP rs751940386, ClinGen allele CA20750253.
Genomic context (GRCh38, chr1:36,473,785, plus strand): 5'-ATCCAAAGGGAGGGGACCAAGGTGGGGGCCCCTCCTCACTTGAAACTCTTCAGAGTGAAG[C>G]TGGTGGGTAGGTGGGTCTCAGGTCCTGGCTCCCACTGGCAGATGAGGCTGCTGGTTGTGA-3'
Protein context (NP_000751.1, residues 145-165): EPGPETHLPT[Ser155Thr]FTLKSFKSRG

ClinVar aggregate classification (germline): Uncertain significance (1 of 4 stars; one submission).

Conditions:
Autosomal recessive severe congenital neutropenia due to CSF3R deficiency. Also called: Neutropenia, severe congenital, 7, autosomal recessive. Identifiers: Orphanet 420702, MedGen C4310764, MONDO:0014865, OMIM 617014.

Submission:

Labcorp Genetics (formerly Invitae), Labcorp
Classification: Uncertain significance for Autosomal recessive severe congenital neutropenia due to CSF3R deficiency. Last evaluated: 2022-11-16. Review status: criteria provided, single submitter. Criteria: Invitae Variant Classification Sherloc (09022015). Collection method: clinical testing. Allele origin: germline.
Comment: This sequence change replaces serine, which is neutral and polar, with threonine, which is neutral and polar, at codon 155 of the CSF3R protein (p.Ser155Thr). This variant is not present in population databases (gnomAD no frequency). This variant has not been reported in the literature in individuals affected with CSF3R-related conditions. Advanced modeling of protein sequence and biophysical properties (such as structural, functional, and spatial information, amino acid conservation, physicochemical variation, residue mobility, and thermodynamic stability) performed at Invitae indicates that this missense variant is not expected to disrupt CSF3R protein function. In summary, the available evidence is currently insufficient to determine the role of this variant in disease. Therefore, it has been classified as a Variant of Uncertain Significance.